The following is an entry in ClinVar:

NM_001366385.1(CARD14):c.2821C>T (p.Arg941Trp)

Genes: SGSH (N-sulfoglucosamine sulfohydrolase; minus strand), CARD14 (caspase recruitment domain family member 14; plus strand). Cytogenetic location: 17q25.3.
Variant type: single nucleotide variant.
Coding change: c.2821C>T on transcript NM_001366385.1 (MANE Select); coding-DNA position 2821, C replaced by T.
Protein change: p.Arg941Trp; replaces arginine 941 with tryptophan.
Molecular consequence: missense variant. On other transcripts: non-coding transcript variant (1).
Genome position (GRCh38, 1-based): chr17:80,208,151, C>T. VCF-style: chr17-80208151-C-T. GRCh37 (hg19) VCF-style: chr17-78181950-C-T.
Other names: c.2821C>T, p.Arg941Trp (NM_024110.4); short protein forms R941W.
Identifiers: ClinVar variation 841084 (VCV000841084.10), dbSNP rs1410862007, ClinGen allele CA401357150.

ClinVar aggregate classification (germline): Uncertain significance (1 of 4 stars; one submission).

Conditions:
Pityriasis rubra pilaris (PRP). Also called: Pityriasis rubra pilaris--familial type. Identifiers: Orphanet 2897, MedGen C0032027, MONDO:0100017, OMIM 173200, MONDO:0008251.
Psoriasis 2. Identifiers: MedGen C1864497, MONDO:0011269, OMIM 602723.

Allele frequency attached by ClinVar (database versions not stated): TOPMed below 0.00001; gnomAD 0.00001; gnomAD exomes 0.00002.
gnomAD v4.1: 32 of 1,543,086 alleles (0.0021%); highest among the groups gnomAD compares: Non-Finnish European, 0.0026%; no homozygotes.

Submission:

Labcorp Genetics (formerly Invitae), Labcorp
Classification: Uncertain significance for Pityriasis rubra pilaris; Psoriasis 2. Last evaluated: 2025-08-06. Review status: criteria provided, single submitter. Criteria: Invitae Variant Classification Sherloc (09022015). Collection method: clinical testing. Allele origin: germline.
Comment: This sequence change replaces arginine, which is basic and polar, with tryptophan, which is neutral and slightly polar, at codon 941 of the CARD14 protein (p.Arg941Trp). This variant is present in population databases (no rsID available, gnomAD 0.007%). This variant has not been reported in the literature in individuals affected with CARD14-related conditions. ClinVar contains an entry for this variant (Variation ID: 841084). Invitae Evidence Modeling of protein sequence and biophysical properties (such as structural, functional, and spatial information, amino acid conservation, physicochemical variation, residue mobility, and thermodynamic stability) indicates that this missense variant is not expected to disrupt CARD14 protein function with a negative predictive value of 95%. In summary, the available evidence is currently insufficient to determine the role of this variant in disease. Therefore, it has been classified as a Variant of Uncertain Significance.